The following is an entry in ClinVar:

NM_001382567.1(STIM1):c.107C>T (p.Ser36Leu)

Gene: STIM1 (stromal interaction molecule 1; plus strand). Cytogenetic location: 11p15.4.
Variant type: single nucleotide variant.
Coding change: c.107C>T on transcript NM_001382567.1 (MANE Select); coding-DNA position 107, C replaced by T.
Protein change: p.Ser36Leu; replaces serine 36 with leucine.
Molecular consequence: missense variant. On other transcripts: 5 prime UTR variant (1), non-coding transcript variant (3), intron variant (10).
Genome position (GRCh38, 1-based): chr11:3,856,377, C>T. VCF-style: chr11-3856377-C-T. GRCh37 (hg19) VCF-style: chr11-3877607-C-T.
Other names: c.107C>T (NM_003156.3); c.107C>T, p.Ser36Leu (NM_001277961.3, NM_001277962.2, NM_001382568.1 and 3 more transcripts); c.103C>T, p.Arg35Trp (NM_001382569.1); c.-131C>T (NM_001382571.1); c.-84+1641C>T (NM_001382578.1, NM_001382575.1, NM_001382574.1); c.-220+1641C>T (NM_001382580.1, NM_001382581.1); c.-84+1723C>T (NM_001382576.1); c.-84+961C>T (NM_001382566.1, NM_001382579.1, NM_001382577.1 and 1 more transcripts); short protein forms R35W, S36L.
Identifiers: ClinVar variation 931672 (VCV000931672.12), dbSNP rs200907515, ClinGen allele CA5830119.

ClinVar aggregate classification (germline): Uncertain significance. Review status: criteria provided, multiple submitters, no conflicts (2 of 4 stars). 4 submissions from 4 submitters: Uncertain significance (4). Last evaluated 2025-08-10.

Conditions:
Combined immunodeficiency due to STIM1 deficiency. Also called: STIM1 DEFICIENCY; IMMUNODEFICIENCY 10. Identifiers: Orphanet 169090, Orphanet 317430, MedGen C2748557, MONDO:0013008, OMIM 612783.
Myopathy with tubular aggregates (TAM). Also called: Tubular Aggregate Myopathy. Identifiers: Orphanet 2593, MedGen C0410207, MONDO:0008051.
Stormorken syndrome (STRMK). Also called: THROMBOCYTOPATHY, ASPLENIA, AND MIOSIS. Identifiers: Orphanet 3204, MedGen C1861451, MONDO:0008497, OMIM 185070.
Inborn genetic diseases. Identifiers: MedGen C0950123, MeSH D030342.

Allele frequency attached by ClinVar (database versions not stated): gnomAD exomes 0.00003 and 0.00002; TOPMed 0.00003; gnomAD 0.00001; ExAC 0.00003.
gnomAD v4.1: 37 of 1,614,060 alleles (0.0023%); highest among the groups gnomAD compares: Non-Finnish European, 0.0025%; no homozygotes.

Submissions (4):

Ambry Genetics
Classification: Uncertain significance for Inborn genetic diseases. Last evaluated: 2025-08-10. Review status: criteria provided, single submitter. Criteria: Ambry Variant Classification Scheme 2023. Collection method: clinical testing. Allele origin: germline.

Labcorp Genetics (formerly Invitae), Labcorp
Classification: Uncertain significance for Myopathy with tubular aggregates; Combined immunodeficiency due to STIM1 deficiency; Stormorken syndrome. Last evaluated: 2025-05-12. Review status: criteria provided, single submitter. Criteria: Invitae Variant Classification Sherloc (09022015). Collection method: clinical testing. Allele origin: germline.
Comment: This sequence change replaces serine, which is neutral and polar, with leucine, which is neutral and non-polar, at codon 36 of the STIM1 protein (p.Ser36Leu). This variant is present in population databases (rs200907515, gnomAD 0.03%). This variant has not been reported in the literature in individuals affected with STIM1-related conditions. ClinVar contains an entry for this variant (Variation ID: 931672). Invitae Evidence Modeling of protein sequence and biophysical properties (such as structural, functional, and spatial information, amino acid conservation, physicochemical variation, residue mobility, and thermodynamic stability) has been performed for this missense variant. However, the output from this modeling did not meet the statistical confidence thresholds required to predict the impact of this variant on STIM1 protein function. In summary, the available evidence is currently insufficient to determine the role of this variant in disease. Therefore, it has been classified as a Variant of Uncertain Significance.

Revvity Omics, Revvity
Classification: Uncertain significance. Last evaluated: 2023-04-21. Review status: criteria provided, single submitter. Criteria: ACMG Guidelines, 2015. Collection method: clinical testing. Allele origin: germline.

Centre for Mendelian Genomics, University Medical Centre Ljubljana
Classification: Uncertain significance for Combined immunodeficiency due to STIM1 deficiency. Last evaluated: 2019-06-20. Review status: criteria provided, single submitter. Criteria: ACMG Guidelines, 2015. Collection method: clinical testing. Allele origin: unknown. Affected: yes.
Comment: This variant was classified as: Uncertain significance. The available evidence on this variant's pathogenicity is insufficient or conflicting. The following ACMG criteria were applied in classifying this variant: No criteria apply.